The following is an entry in ClinVar:

ClinVar aggregate classification (germline): Likely pathogenic (1 of 4 stars; one submission).

Conditions:
Charcot-Marie-Tooth disease type 2. Also called: Charcot-Marie-Tooth type 2. Identifiers: Orphanet 64746, MedGen C0270914, MONDO:0018993.

Submission:

Labcorp Genetics (formerly Invitae), Labcorp
Classification: Likely pathogenic for Charcot-Marie-Tooth disease type 2. Last evaluated: 2022-07-25. Review status: criteria provided, single submitter. Criteria: Invitae Variant Classification Sherloc (09022015). Collection method: clinical testing. Allele origin: germline.
Comment: This missense change has been observed in individual(s) with clinical features of LMNA-related conditions (Invitae). In at least one individual the variant was observed to be de novo. In summary, the currently available evidence indicates that the variant is pathogenic, but additional data are needed to prove that conclusively. Therefore, this variant has been classified as Likely Pathogenic. Algorithms developed to predict the effect of missense changes on protein structure and function (SIFT, PolyPhen-2, Align-GVGD) all suggest that this variant is likely to be disruptive. ClinVar contains an entry for this variant (Variation ID: 1472188). This variant is not present in population databases (gnomAD no frequency). This sequence change replaces glutamine, which is neutral and polar, with proline, which is neutral and non-polar, at codon 198 of the LMNA protein (p.Gln198Pro).

NM_170707.4(LMNA):c.593A>C (p.Gln198Pro)

Gene: LMNA (lamin A/C; plus strand). Cytogenetic location: 1q22.
Variant type: single nucleotide variant.
Coding change: c.593A>C on transcript NM_170707.4 (MANE Select); coding-DNA position 593, A replaced by C.
Protein change: p.Gln198Pro; replaces glutamine 198 with proline.
Molecular consequence: missense variant.
Genome position (GRCh38, 1-based): chr1:156,134,482, A>C. VCF-style: chr1-156134482-A-C. GRCh37 (hg19) VCF-style: chr1-156104273-A-C.
Other names: c.257A>C, p.Gln86Pro (NM_001257374.3); c.350A>C, p.Gln117Pro (NM_001282624.2); c.593A>C, p.Gln198Pro (NM_001282625.2, NM_001282626.2, NM_005572.4 and 1 more transcripts); short protein forms Q117P, Q86P, Q198P.
Identifiers: ClinVar variation 1472188 (VCV001472188.8), dbSNP rs2102878915, ClinGen allele CA342816991.